The following is an entry in ClinVar:

ClinVar aggregate classification (germline): Likely benign. Review status: reviewed by expert panel (3 of 4 stars). 5 submissions from 5 submitters: Likely benign (1). 4 of the submissions do not count toward it. Last evaluated 2017-06-29.

Conditions:
Hereditary breast ovarian cancer syndrome. Also called: Hereditary breast and ovarian cancer syndrome (HBOC); BRCA1- and BRCA2-Associated Hereditary Breast and Ovarian Cancer; Hereditary breast and/or ovarian cancer syndrome; Hereditary breast and ovarian cancer syndrome; Hereditary breast and ovarian cancer; Breast and ovarian cancer. Identifiers: Orphanet 145, MedGen C0677776, MeSH D061325, MONDO:0003582. Disease mechanism: loss of function.
Hereditary cancer-predisposing syndrome. Also called: Neoplastic Syndromes, Hereditary; Hereditary neoplastic syndrome; Tumor predisposition; Hereditary Cancer Syndrome. Identifiers: Orphanet 140162, MedGen C0027672, MeSH D009386, MONDO:0015356.
Breast-ovarian cancer, familial, susceptibility to, 1 (BROVCA1). Also called: BRCA1 Hereditary Breast and Ovarian Cancer; OVARIAN CANCER, SUSCEPTIBILITY TO. Identifiers: Orphanet 145, MedGen C2676676, MONDO:0011450, OMIM 604370. Disease mechanism: loss of function.

Allele frequency attached by ClinVar (database versions not stated): gnomAD 0.00001; gnomAD exomes 0.00001; TOPMed 0.00001; 1000 Genomes Project 0.00020; 1000 Genomes Project 30x 0.00031.
gnomAD v4.1: 4 of 1,614,114 alleles (0.00025%); highest among the groups gnomAD compares: African/African-American, 0.004%; no homozygotes.

Submissions (5):

Evidence-based Network for the Interpretation of Germline Mutant Alleles (ENIGMA)
Classification: Likely benign for Breast-ovarian cancer, familial, susceptibility to, 1. Last evaluated: 2017-06-29. Review status: reviewed by expert panel. Criteria: ENIGMA BRCA1/2 Classification Criteria (2017-06-29). Collection method: curation. Allele origin: germline.
Comment: Synonymous substitution variant, with low bioinformatic likelihood to result in a splicing aberration (Splicing prior probability 0.02).

Labcorp Genetics (formerly Invitae), Labcorp
Classification: Likely benign for Hereditary breast ovarian cancer syndrome. Last evaluated: 2024-12-26. Review status: criteria provided, single submitter. Criteria: Invitae Variant Classification Sherloc (09022015). Collection method: clinical testing. Allele origin: germline. Not counted in ClinVar's aggregate classification.

Color Diagnostics, LLC DBA Color Health
Classification: Likely benign for Hereditary cancer-predisposing syndrome. Last evaluated: 2021-08-31. Review status: criteria provided, single submitter. Criteria: ACMG Guidelines, 2015. Collection method: clinical testing. Allele origin: germline. Not counted in ClinVar's aggregate classification.

GeneDx
Classification: Likely benign. Last evaluated: 2019-03-28. Review status: criteria provided, single submitter. Criteria: GeneDx Variant Classification Process June 2021. Collection method: clinical testing. Allele origin: germline. Affected: yes. Not counted in ClinVar's aggregate classification.

Ambry Genetics
Classification: Likely benign for Hereditary cancer-predisposing syndrome. Last evaluated: 2018-02-06. Review status: criteria provided, single submitter. Criteria: Ambry Variant Classification Scheme 2023. Collection method: clinical testing. Allele origin: germline. Not counted in ClinVar's aggregate classification.

NM_007294.4(BRCA1):c.4518T>C (p.Asp1506=)

Gene: BRCA1 (BRCA1 DNA repair associated; minus strand). Cytogenetic location: 17q21.31.
Variant type: single nucleotide variant.
Coding change: c.4518T>C on transcript NM_007294.4 (MANE Select); coding-DNA position 4518, T replaced by C.
Protein change: p.Asp1506=; no amino-acid change (aspartic acid 1506 retained).
Molecular consequence: synonymous variant. On other transcripts: intron variant (3).
Genome position (GRCh38, 1-based): chr17:43,074,488, A>G on the plus strand (T>C on the coding strand, the complement: BRCA1 is on the minus strand). VCF-style: chr17-43074488-A-G. GRCh37 (hg19) VCF-style: chr17-41226505-A-G.
Other names: c.4182T>C, p.Asp1394= (NM_001407952.1, NM_001407953.1, NM_001407954.1 and 3 more transcripts); c.4179T>C, p.Asp1393= (NM_001407956.1, NM_001407957.1, NM_001407958.1); c.4137T>C, p.Asp1379= (NM_001407959.1); c.4134T>C, p.Asp1378= (NM_001407960.1, NM_001407962.1); c.4131T>C, p.Asp1377= (NM_001407963.1); c.4011T>C, p.Asp1337= (NM_001407965.1); c.3630T>C, p.Asp1210= (NM_001407966.1); c.3627T>C, p.Asp1209= (NM_001407967.1); and 71 more.
Identifiers: ClinVar variation 427363 (VCV000427363.21), dbSNP rs73983787, ClinGen allele CA290832161.